The following is an entry in ClinVar:

NM_001042492.3(NF1):c.5720T>A (p.Phe1907Tyr)

Gene: NF1 (neurofibromin 1; plus strand). Cytogenetic location: 17q11.2.
Variant type: single nucleotide variant.
Coding change: c.5720T>A on transcript NM_001042492.3 (MANE Select); coding-DNA position 5720, T replaced by A.
Protein change: p.Phe1907Tyr; replaces phenylalanine 1907 with tyrosine.
Molecular consequence: missense variant.
Genome position (GRCh38, 1-based): chr17:31,330,406, T>A. VCF-style: chr17-31330406-T-A. GRCh37 (hg19) VCF-style: chr17-29657424-T-A.
Other names: c.5657T>A, p.Phe1886Tyr (NM_000267.4); short protein forms F1886Y, F1907Y.
Identifiers: ClinVar variation 572925 (VCV000572925.5), dbSNP rs1567613677, ClinGen allele CA399010327.

ClinVar aggregate classification (germline): Uncertain significance (1 of 4 stars; one submission).

Conditions:
Neurofibromatosis, type 1 (NF1). Also called: Peripheral type neurofibromatosis; VON RECKLINGHAUSEN DISEASE; Neurofibromatosis, type I; NEUROFIBROMATOSIS, TYPE I, SOMATIC. Identifiers: Orphanet 636, MedGen C0027831, MONDO:0018975, OMIM 162200. Disease mechanism: loss of function.

Submission:

Labcorp Genetics (formerly Invitae), Labcorp
Classification: Uncertain significance for Neurofibromatosis, type 1. Last evaluated: 2018-06-23. Review status: criteria provided, single submitter. Criteria: Invitae Variant Classification Sherloc (09022015). Collection method: clinical testing. Allele origin: germline.
Comment: This sequence change replaces phenylalanine with tyrosine at codon 1886 of the NF1 protein (p.Phe1886Tyr). The phenylalanine residue is moderately conserved and there is a small physicochemical difference between phenylalanine and tyrosine. This variant is not present in population databases (ExAC no frequency). This variant has not been reported in the literature in individuals with NF1-related disease. Algorithms developed to predict the effect of missense changes on protein structure and function are either unavailable or do not agree on the potential impact of this missense change (SIFT: "Deleterious"; PolyPhen-2: "Probably Damaging"; Align-GVGD: "Class C0"). In summary, the available evidence is currently insufficient to determine the role of this variant in disease. Therefore, it has been classified as a Variant of Uncertain Significance.